The following is an entry in ClinVar:

NM_000038.6(APC):c.3411del (p.Asp1137fs)

Gene: APC (APC regulator of Wnt signaling pathway; plus strand). Cytogenetic location: 5q22.2.
Variant type: Deletion.
Coding change: c.3411del on transcript NM_000038.6 (MANE Select); coding-DNA position 3411, one base deleted (T; older notation c.3411delT).
Protein change: p.Asp1137fs; shifts the reading frame from aspartic acid 1137.
Molecular consequence: frameshift variant.
Genome position (GRCh38, 1-based): chr5:112,839,005, T deleted. VCF-style (leftmost placement, unchanged base first): chr5-112839004-AT-A. GRCh37 (hg19) VCF-style: chr5-112174701-AT-A.
Other names: c.3411del, p.Asp1137fs (NM_001127510.3, NM_001354895.2); c.3357del, p.Asp1119fs (NM_001127511.3); c.3465del, p.Asp1155fs (NM_001354896.2); c.3441del, p.Asp1147fs (NM_001354897.2); c.3336del, p.Asp1112fs (NM_001354898.2); c.3327del, p.Asp1109fs (NM_001354899.2); c.3288del, p.Asp1096fs (NM_001354900.2); c.3234del, p.Asp1078fs (NM_001354901.2); and 5 more; short protein forms D1011fs, D1036fs, D1046fs, D1078fs, D1096fs, D1109fs, D1112fs, D1119fs.
Identifiers: ClinVar variation 1049327 (VCV001049327.1), dbSNP rs2149891392, ClinGen allele CA2499217472.

ClinVar aggregate classification (germline): Pathogenic (0 of 4 stars; one submission).

Conditions:
Familial adenomatous polyposis 1 (FAP1). Also called: POLYPOSIS, ADENOMATOUS INTESTINAL; FAMILIAL ADENOMATOUS POLYPOSIS 1, ATTENUATED. Identifiers: MedGen C2713442, MONDO:0021056, OMIM 175100. Disease mechanism: loss of function.

Submission:

Department of Pathology and Laboratory Medicine, Sinai Health System
Classification: Pathogenic for Familial adenomatous polyposis 1. Review status: no assertion criteria provided. Collection method: clinical testing. Allele origin: unknown. Affected: yes. Observed: 1 variant allele. Study: The Canadian Open Genetics Repository (COGR).
Comment: The APC p.Asp1137Glufs*28 variant was not identified in the literature nor was it identified in the dbSNP, ClinVar, LOVD 3.0, UMD-LSDB, the Exome Aggregation Consortium (August 8th 2016) or the Genome Aggregation Database (Feb 27, 2017). The c.3411del variant is predicted to cause a frameshift which alters the protein's amino acid sequence beginning at codon 1137 and leads to a premature stop codon at position 1164. This alteration is then predicted to result in a truncated or absent protein and loss of function. Loss of function variants of the APC gene are an established mechanism of disease in familial adenomatous polyposis and is the type of variant expected to cause the disorder. In summary, based on the above information, this variant meets our laboratoryâ€šÃ„Ã´s criteria to be classified as pathogenic.